The following is an entry in ClinVar:

ClinVar aggregate classification (germline): Uncertain significance. Review status: criteria provided, multiple submitters, no conflicts (2 of 4 stars). 2 submissions from 2 submitters: Uncertain significance (2). Last evaluated 2025-09-05.

Conditions:
Erythrocytosis, familial, 3 (ECYT3). Identifiers: Orphanet 247511, MedGen C1853286, MONDO:0012353, OMIM 609820.

gnomAD v4.1: 1 of 1,523,828 alleles (0.000066%); highest among the groups gnomAD compares: Non-Finnish European, 0.000088%; no homozygotes.

Submissions (2):

Labcorp Genetics (formerly Invitae), Labcorp
Classification: Uncertain significance for Erythrocytosis, familial, 3. Last evaluated: 2025-09-05. Review status: criteria provided, single submitter. Criteria: Invitae Variant Classification Sherloc (09022015). Collection method: clinical testing. Allele origin: germline.
Comment: This sequence change replaces glycine, which is neutral and non-polar, with arginine, which is basic and polar, at codon 60 of the EGLN1 protein (p.Gly60Arg). This variant is not present in population databases (gnomAD no frequency). This variant has not been reported in the literature in individuals affected with EGLN1-related conditions. ClinVar contains an entry for this variant (Variation ID: 4016854). An algorithm developed to predict the effect of missense changes on protein structure and function (PolyPhen-2) suggests that this variant is likely to be disruptive. In summary, the available evidence is currently insufficient to determine the role of this variant in disease. Therefore, it has been classified as a Variant of Uncertain Significance.

Ambry Genetics
Classification: Uncertain significance. Last evaluated: 2025-04-04. Review status: criteria provided, single submitter. Criteria: Ambry Variant Classification Scheme 2023. Collection method: clinical testing. Allele origin: germline.
Comment: The p.G60R variant (also known as c.178G>C), located in coding exon 1 of the EGLN1 gene, results from a G to C substitution at nucleotide position 178. The glycine at codon 60 is replaced by arginine, an amino acid with dissimilar properties. This amino acid position is conserved. In addition, this alteration is predicted to be tolerated by in silico analysis. Based on the available evidence, the clinical significance of this variant remains unclear.

NM_022051.3(EGLN1):c.178G>C (p.Gly60Arg)

Gene: EGLN1 (egl-9 family hypoxia inducible factor 1; minus strand). Cytogenetic location: 1q42.2.
Variant type: single nucleotide variant.
Coding change: c.178G>C on transcript NM_022051.3 (MANE Select); coding-DNA position 178, G replaced by C.
Protein change: p.Gly60Arg; replaces glycine 60 with arginine.
Molecular consequence: missense variant.
Genome position (GRCh38, 1-based): chr1:231,421,711, C>G on the plus strand (G>C on the coding strand, the complement: EGLN1 is on the minus strand). VCF-style: chr1-231421711-C-G. GRCh37 (hg19) VCF-style: chr1-231557457-C-G.
Other names: c.178G>C, p.Gly60Arg (NM_001377260.1, NM_001377261.1); short protein forms G60R.
Identifiers: ClinVar variation 4016854 (VCV004016854.2).